The following is an entry in ClinVar:

ClinVar aggregate classification (germline): Likely benign (1 of 4 stars; one submission).

Allele frequency attached by ClinVar (database versions not stated): ExAC 0.00137; 1000 Genomes Project 0.00300; 1000 Genomes Project 30x 0.00328.

Submission:

CeGaT Center for Human Genetics Tuebingen
Classification: Likely benign. Last evaluated: 2023-01-01. Review status: criteria provided, single submitter. Criteria: CeGaT Center For Human Genetics Tuebingen Variant Classification Criteria Version 2. Collection method: clinical testing. Allele origin: germline. Affected: yes. Observed: 1 variant allele.
Comment: ENSG00000284879: BS2

NR_186253.1(NCAL1):n.1331C>T

Gene: NCAL1 (NK cell activity associated lncRNA 1; plus strand). Cytogenetic location: 2p11.2.
Variant type: single nucleotide variant.
Molecular consequence: non-coding transcript variant (on NR_186253.1).
Genome position: GRCh38 VCF-style: chr2-87719965-C-T. GRCh37 (hg19) VCF-style: chr2-88019484-C-T.
Identifiers: ClinVar variation 2651106 (VCV002651106.23), dbSNP rs576510766, ClinGen allele CA1752269.